The following is an entry in ClinVar:

NM_003907.3(EIF2B5):c.2030C>G (p.Ala677Gly)

Gene: EIF2B5 (eukaryotic translation initiation factor 2B subunit epsilon; plus strand). Cytogenetic location: 3q27.1.
Variant type: single nucleotide variant.
Coding change: c.2030C>G on transcript NM_003907.3 (MANE Select); coding-DNA position 2030, C replaced by G.
Protein change: p.Ala677Gly; replaces alanine 677 with glycine.
Molecular consequence: missense variant.
Genome position (GRCh38, 1-based): chr3:184,144,631, C>G. VCF-style: chr3-184144631-C-G. GRCh37 (hg19) VCF-style: chr3-183862419-C-G.
Other names: c.2030C>G (NM_003907.2); short protein forms A677G.
Identifiers: ClinVar variation 1437617 (VCV001437617.7), dbSNP rs768722786, ClinGen allele CA2726874.

ClinVar aggregate classification (germline): Uncertain significance. Review status: criteria provided, multiple submitters, no conflicts (2 of 4 stars). 3 submissions from 3 submitters: Uncertain significance (3). Last evaluated 2025-11-24.

Conditions:
Inborn genetic diseases. Identifiers: MedGen C0950123, MeSH D030342.

Allele frequency attached by ClinVar (database versions not stated): gnomAD 0.00001; gnomAD exomes 0.00002; ExAC 0.00005.
gnomAD v4.1: 13 of 1,613,984 alleles (0.00081%); highest among the groups gnomAD compares: Non-Finnish European, 0.00093%; no homozygotes.

Submissions (3):

Ambry Genetics
Classification: Uncertain significance for Inborn genetic diseases. Last evaluated: 2025-11-24. Review status: criteria provided, single submitter. Criteria: Ambry Variant Classification Scheme 2023. Collection method: clinical testing. Allele origin: germline.

Blueprint Genetics
Classification: Uncertain significance. Last evaluated: 2024-07-05. Review status: criteria provided, single submitter. Criteria: ACMG Guidelines, 2015. Collection method: clinical testing. Allele origin: germline.

Labcorp Genetics (formerly Invitae), Labcorp
Classification: Uncertain significance. Last evaluated: 2022-09-12. Review status: criteria provided, single submitter. Criteria: Invitae Variant Classification Sherloc (09022015). Collection method: clinical testing. Allele origin: germline.
Comment: This sequence change replaces alanine, which is neutral and non-polar, with glycine, which is neutral and non-polar, at codon 677 of the EIF2B5 protein (p.Ala677Gly). This variant is present in population databases (rs768722786, gnomAD 0.004%). This variant has not been reported in the literature in individuals affected with EIF2B5-related conditions. ClinVar contains an entry for this variant (Variation ID: 1437617). Advanced modeling of protein sequence and biophysical properties (such as structural, functional, and spatial information, amino acid conservation, physicochemical variation, residue mobility, and thermodynamic stability) performed at Invitae indicates that this missense variant is not expected to disrupt EIF2B5 protein function. Algorithms developed to predict the effect of sequence changes on RNA splicing suggest that this variant may create or strengthen a splice site. In summary, the available evidence is currently insufficient to determine the role of this variant in disease. Therefore, it has been classified as a Variant of Uncertain Significance.